The following is an entry in ClinVar:

ClinVar aggregate classification (germline): Uncertain significance (1 of 4 stars; one submission).

Conditions:
Hereditary cancer-predisposing syndrome. Also called: Neoplastic Syndromes, Hereditary; Tumor predisposition; Hereditary Cancer Syndrome; Hereditary neoplastic syndrome. Identifiers: Orphanet 140162, MedGen C0027672, MeSH D009386, MONDO:0015356.

Submission:

Ambry Genetics
Classification: Uncertain significance for Hereditary cancer-predisposing syndrome. Last evaluated: 2026-07-10. Review status: criteria provided, single submitter. Criteria: Ambry Variant Classification Scheme 2023. Collection method: clinical testing. Allele origin: germline.
Comment: The p.F608S variant (also known as c.1823T>C), located in coding exon 13 of the TSC1 gene, results from a T to C substitution at nucleotide position 1823. The phenylalanine at codon 608 is replaced by serine, an amino acid with highly dissimilar properties. This amino acid position is conserved. In addition, this alteration is predicted to be deleterious by in silico analysis. Based on the available evidence, the clinical significance of this variant remains unclear.

NM_000368.5(TSC1):c.1823T>C (p.Phe608Ser)

Gene: TSC1 (TSC complex subunit 1; minus strand). Cytogenetic location: 9q34.13.
Variant type: single nucleotide variant.
Coding change: c.1823T>C on transcript NM_000368.5 (MANE Select); coding-DNA position 1823, T replaced by C.
Protein change: p.Phe608Ser; replaces phenylalanine 608 with serine.
Molecular consequence: missense variant. On other transcripts: non-coding transcript variant (5).
Genome position (GRCh38, 1-based): chr9:132,905,755, A>G on the plus strand (T>C on the coding strand, the complement: TSC1 is on the minus strand). VCF-style: chr9-132905755-A-G. GRCh37 (hg19) VCF-style: chr9-135781142-A-G.
Other names: c.1820T>C, p.Phe607Ser (NM_001406608.1, NM_001406609.1, NM_001406599.1 and 6 more transcripts); c.1670T>C, p.Phe557Ser (NM_001406610.1, NM_001162427.2); c.1667T>C, p.Phe556Ser (NM_001406611.1, NM_001406612.1, NM_001406613.1); c.1460T>C, p.Phe487Ser (NM_001406614.1, NM_001406615.1, NM_001406616.1 and 5 more transcripts); c.1823T>C, p.Phe608Ser (NM_001406601.1, NM_001406602.1, NM_001406605.1 and 7 more transcripts); c.1457T>C, p.Phe486Ser (NM_001406620.1, NM_001406621.1, NM_001406622.1 and 2 more transcripts); c.872T>C, p.Phe291Ser (NM_001406626.1); c.869T>C, p.Phe290Ser (NM_001406627.1, NM_001406628.1); and 1 more; short protein forms F257S, F290S, F556S, F557S, F607S, F608S, F486S, F487S.
Identifiers: ClinVar variation 4192041 (VCV004192041.2).